The following is an entry in ClinVar:

ClinVar aggregate classification (germline): Likely pathogenic (1 of 4 stars; one submission).

gnomAD v4.1: 12 of 1,613,980 alleles (0.00074%); highest among the groups gnomAD compares: African/African-American, 0.0013%; no homozygotes.

Submission:

Mayo Clinic Laboratories, Mayo Clinic
Classification: Likely pathogenic. Last evaluated: 2024-02-12. Review status: criteria provided, single submitter. Criteria: ACMG Guidelines, 2015. Collection method: clinical testing. Allele origin: germline. Observed: 1 variant allele.
Comment: PM2_moderate, PVS1

Literature cited by the submitters: PubMed 21107324.

NM_001025356.3(ANO6):c.1942C>T (p.Arg648Ter)

Gene: ANO6 (anoctamin 6; plus strand). Cytogenetic location: 12q12.
Variant type: single nucleotide variant.
Coding change: c.1942C>T on transcript NM_001025356.3 (MANE Select); coding-DNA position 1942, C replaced by T.
Protein change: p.Arg648Ter; replaces arginine 648 with a stop codon.
Molecular consequence: nonsense.
Genome position (GRCh38, 1-based): chr12:45,409,418, C>T. VCF-style: chr12-45409418-C-T. GRCh37 (hg19) VCF-style: chr12-45803201-C-T.
Other names: p.Arg648*; c.1888C>T, p.Arg630Ter (NM_001142678.2); c.1942C>T, p.Arg648Ter (NM_001142679.2); c.2005C>T, p.Arg669Ter (NM_001204803.2); c.1909C>T, p.Arg637Ter (NM_001410973.1); short protein forms R630*, R637*, R648*, R669*.
Identifiers: ClinVar variation 3381086 (VCV003381086.1).